The following is an entry in ClinVar:

ClinVar aggregate classification (germline): Benign (1 of 4 stars; one submission).

Conditions:
Autosomal dominant striatal neurodegeneration type 1. Identifiers: Orphanet 228169, MedGen C4310808, MONDO:0012205, OMIM 609161.

Allele frequency attached by ClinVar (database versions not stated): gnomAD 0.00009; TOPMed 0.00009; 1000 Genomes Project 30x 0.00031; 1000 Genomes Project 0.00040.

Submission:

Illumina Laboratory Services, Illumina
Classification: Benign for Autosomal dominant striatal neurodegeneration type 1. Last evaluated: 2018-01-12. Review status: criteria provided, single submitter. Criteria: ICSL Variant Classification Criteria 13 December 2019. Collection method: clinical testing. Allele origin: germline.
Comment: This variant was observed in the ICSL laboratory as part of a predisposition screen in an ostensibly healthy population. It had not been previously curated by ICSL or reported in the Human Gene Mutation Database (HGMD: prior to June 1st, 2018), and was therefore a candidate for classification through an automated scoring system. Utilizing variant allele frequency, disease prevalence and penetrance estimates, and inheritance mode, an automated score was calculated to assess if this variant is too frequent to cause the disease. Based on the score and internal cut-off values, a variant classified as benign is not then subjected to further curation. The score for this variant resulted in a classification of benign for this disease.

NM_003719.5(PDE8B):c.*496A>G

Gene: PDE8B (phosphodiesterase 8B; plus strand). Cytogenetic location: 5q13.3.
Variant type: single nucleotide variant.
Coding change: c.*496A>G on transcript NM_003719.5 (MANE Select); 496 bases downstream of the stop codon, A replaced by G.
Molecular consequence: 3 prime UTR variant.
Genome position (GRCh38, 1-based): chr5:77,427,050, A>G. VCF-style: chr5-77427050-A-G. GRCh37 (hg19) VCF-style: chr5-76722875-A-G.
Other names: c.*496A>G (NM_001029851.4, NM_001029852.4, NM_001029853.4 and 19 more transcripts); c.*582A>G (NM_001349751.3, NM_001376072.1).
Identifiers: ClinVar variation 354190 (VCV000354190.5), dbSNP rs369658924, ClinGen allele CA10625144.
Genomic context (GRCh38, chr5:77,427,050, plus strand): 5'-CATCGATCTGAAGGATTCATAAGGAGCTTATCTGAACAGATTTATCTAAGAAAAAAAAAA[A>G]ACGACATAAAATAAGTGAAACAACTAGGACCAAATTACAGATAAACTAGTTAGCTTCACA-3'